The following is an entry in ClinVar:

NM_014009.4(FOXP3):c.1036A>G (p.Ile346Val)

Gene: FOXP3 (forkhead box P3; minus strand). Cytogenetic location: Xp11.23.
Variant type: single nucleotide variant.
Coding change: c.1036A>G on transcript NM_014009.4 (MANE Select); coding-DNA position 1036, A replaced by G.
Protein change: p.Ile346Val; replaces isoleucine 346 with valine.
Molecular consequence: missense variant.
Genome position (GRCh38, 1-based): chrX:49,253,134, T>C on the plus strand (A>G on the coding strand, the complement: FOXP3 is on the minus strand). VCF-style: chrX-49253134-T-C. GRCh37 (hg19) VCF-style: chrX-49109595-T-C.
Other names: c.931A>G, p.Ile311Val (NM_001114377.2); short protein forms I346V, I311V.
Identifiers: ClinVar variation 529766 (VCV000529766.7), dbSNP rs1557115789, ClinGen allele CA412950105.
Genomic context (GRCh38, chrX:49,253,134, plus strand): 5'-CCCCACCCCATCTTTGTCTTCCTCCTCCTTGGGGCCGAGCTGCCCTGCTTACCCAGCGGA[T>C]GAGCGTGGCGTAGGTGAAAGGGGGTCGCATGTTGTGGAACTTGAAGTAGTCCATGTTGTG-3'
Protein context (NP_054728.2, residues 336-356): MRPPFTYATL[Ile346Val]RWAILEAPEK

ClinVar aggregate classification (germline): Uncertain significance (1 of 4 stars; one submission).

Conditions:
Insulin-dependent diabetes mellitus secretory diarrhea syndrome (IPEX). Also called: IPEX and IPEX-Like; DIABETES MELLITUS, CONGENITAL INSULIN-DEPENDENT, WITH FATAL SECRETORY DIARRHEA; DIARRHEA, POLYENDOCRINOPATHY, FATAL INFECTION SYNDROME, X-LINKED; ENTEROPATHY, AUTOIMMUNE, WITH HEMOLYTIC ANEMIA AND POLYENDOCRINOPATHY; Immune dysregulation-polyendocrinopathy-enteropathy-X-linked syndrome; Immunodysregulation, polyendocrinopathy, and enteropathy, X-linked. Identifiers: Orphanet 37042, MedGen C0342288, MONDO:0010580, OMIM 304790. Disease mechanism: loss of function.

Submission:

Labcorp Genetics (formerly Invitae), Labcorp
Classification: Uncertain significance for Insulin-dependent diabetes mellitus secretory diarrhea syndrome. Last evaluated: 2022-12-05. Review status: criteria provided, single submitter. Criteria: Invitae Variant Classification Sherloc (09022015). Collection method: clinical testing. Allele origin: germline.
Comment: This sequence change replaces isoleucine, which is neutral and non-polar, with valine, which is neutral and non-polar, at codon 346 of the FOXP3 protein (p.Ile346Val). Advanced modeling of protein sequence and biophysical properties (such as structural, functional, and spatial information, amino acid conservation, physicochemical variation, residue mobility, and thermodynamic stability) performed at Invitae indicates that this missense variant is expected to disrupt FOXP3 protein function. In summary, the available evidence is currently insufficient to determine the role of this variant in disease. Therefore, it has been classified as a Variant of Uncertain Significance. ClinVar contains an entry for this variant (Variation ID: 529766). This variant has not been reported in the literature in individuals affected with FOXP3-related conditions. This variant is not present in population databases (gnomAD no frequency).